The following is an entry in ClinVar:

ClinVar aggregate classification (germline): Conflicting classifications of pathogenicity. Review status: criteria provided, conflicting classifications (1 of 4 stars). 10 submissions from 10 submitters: Uncertain significance (1); Benign (3); Likely benign (3). 3 of the submissions do not count toward it. Last evaluated 2026-09-01.

Conditions:
Glycine encephalopathy 1 (GCE1). Identifiers: MedGen CN376801, MONDO:0958179, OMIM 605899.
Glycine encephalopathy. Also called: Non-ketotic hyperglycinemia; Nonketotic hyperglycinemia. Identifiers: Orphanet 407, MedGen C0751748, MONDO:0011612, HP:0008288.

Allele frequency attached by ClinVar (database versions not stated): 1000 Genomes Project 30x 0.00109; 1000 Genomes Project 0.00120; gnomAD exomes 0.00220; ExAC 0.00221; TOPMed 0.00264; gnomAD 0.00278 and 0.00282; ESP Exome Variant Server 0.00315.
gnomAD v4.1: 6,510 of 1,611,998 alleles (0.4%); highest among the groups gnomAD compares: Non-Finnish European, 0.51%; 19 homozygotes.

Submissions (14):

CeGaT Center for Human Genetics Tuebingen
Classification: Likely benign. Last evaluated: 2026-09-01. Review status: criteria provided, single submitter. Criteria: CeGaT Center For Human Genetics Tuebingen Variant Classification Criteria Version 2. Collection method: clinical testing. Allele origin: germline. Affected: yes. Observed: 16 variant alleles.
Comment: GLDC: BP4, BS2

Labcorp Genetics (formerly Invitae), Labcorp
Classification: Benign for Glycine encephalopathy. Last evaluated: 2026-02-03. Review status: criteria provided, single submitter. Criteria: Invitae Variant Classification Sherloc (09022015). Collection method: clinical testing. Allele origin: germline.

Blueprint Genetics
Classification: Likely benign. Last evaluated: 2024-11-26. Review status: criteria provided, single submitter. Criteria: ACMG Guidelines, 2015. Collection method: clinical testing. Allele origin: germline.

Athena Diagnostics
Classification: Benign. Last evaluated: 2024-09-17. Review status: criteria provided, single submitter. Criteria: Athena Diagnostics Criteria. Collection method: clinical testing. Allele origin: unknown.

GeneDx
Classification: Likely benign. Last evaluated: 2020-08-21. Review status: criteria provided, single submitter. Criteria: GeneDx Variant Classification Process June 2021. Collection method: clinical testing. Allele origin: germline. Affected: yes.
Comment: This variant is associated with the following publications: (PMID: 28244183)

Illumina Laboratory Services, Illumina
Classification: Benign for Glycine encephalopathy 1. Last evaluated: 2017-04-27. Review status: criteria provided, single submitter. Criteria: ICSL Variant Classification Criteria 13 December 2019. Collection method: clinical testing. Allele origin: germline.
Comment: This variant was observed as part of a predisposition screen in an ostensibly healthy population. A literature search was performed for the gene, cDNA change, and amino acid change (where applicable). No publications were found based on this search. Allele frequency data from public databases was too high to be consistent with this variant causing disease. Therefore, this variant is classified as benign.

Center for Pediatric Genomic Medicine, Children's Mercy Hospital and Clinics
Classification: Uncertain significance. Last evaluated: 2016-03-22. Review status: criteria provided, single submitter. Criteria: ACMG Guidelines, 2015. Collection method: clinical testing. Allele origin: germline.
ClinVar note: Converted during submission from Uncertain Significance to Uncertain significance.

Counsyl
Classification: Likely benign for Glycine encephalopathy 1. Last evaluated: 2018-05-16. Review status: no assertion criteria provided. Collection method: clinical testing. Allele origin: unknown. Not counted in ClinVar's aggregate classification.

Clinical Genetics DNA and cytogenetics Diagnostics Lab, Erasmus MC, Erasmus Medical Center
Classification: Likely benign. Review status: no assertion criteria provided. Collection method: clinical testing. Allele origin: germline. Affected: yes. Study: VKGL Data-share Consensus. Not counted in ClinVar's aggregate classification.

Dr. Peter K. Rogan Lab, Western University
No classification provided (evidence only). Condition: Cervical cancer. Review status: no classification provided. Collection method: in vitro. Allele origin: not applicable. Functional consequence: skipped exon. Not counted in ClinVar's aggregate classification.

Dr. Peter K. Rogan Lab, Western University
No classification provided (evidence only). Condition: Sarcoma. Review status: no classification provided. Collection method: in vitro. Allele origin: not applicable. Functional consequence: retained intron. Not counted in ClinVar's aggregate classification.

Dr. Peter K. Rogan Lab, Western University
No classification provided (evidence only). Condition: Malignant tumor of esophagus. Review status: no classification provided. Collection method: in vitro. Allele origin: not applicable. Functional consequence: skipped exon, retained intron. Not counted in ClinVar's aggregate classification.

Dr. Peter K. Rogan Lab, Western University
No classification provided (evidence only). Condition: Ovarian cancer. Review status: no classification provided. Collection method: in vitro. Allele origin: not applicable. Functional consequence: skipped exon, retained intron. Not counted in ClinVar's aggregate classification.

Genome Diagnostics Laboratory, University Medical Center Utrecht
Classification: Benign. Review status: no assertion criteria provided. Collection method: clinical testing. Allele origin: germline. Affected: yes. Study: VKGL Data-share Consensus. Not counted in ClinVar's aggregate classification.

Literature cited by the submitters: PubMed 28244183 (cited by Athena Diagnostics and Counsyl); PubMed 37301908 (cited by Athena Diagnostics).

NM_000170.3(GLDC):c.2053-5C>G

Gene: GLDC (glycine decarboxylase; minus strand). Cytogenetic location: 9p24.1.
Variant type: single nucleotide variant.
Coding change: c.2053-5C>G on transcript NM_000170.3 (MANE Select); 5 bases into the intron before coding-DNA position 2053, C replaced by G.
Molecular consequence: intron variant.
Genome position (GRCh38, 1-based): chr9:6,556,307, G>C on the plus strand (C>G on the coding strand, the complement: GLDC is on the minus strand). VCF-style: chr9-6556307-G-C. GRCh37 (hg19) VCF-style: chr9-6556307-G-C.
Identifiers: ClinVar variation 235561 (VCV000235561.66), dbSNP rs140877566, ClinGen allele CA4980404.